The following is an entry in ClinVar:

ClinVar aggregate classification (germline): Uncertain significance (1 of 4 stars; one submission).

Allele frequency attached by ClinVar (database versions not stated): TOPMed below 0.00001.

Submission:

GeneDx
Classification: Uncertain significance. Last evaluated: 2022-10-25. Review status: criteria provided, single submitter. Criteria: GeneDx Variant Classification Process June 2021. Collection method: clinical testing. Allele origin: germline. Affected: yes.
Comment: Not observed at significant frequency in large population cohorts (gnomAD); In silico analysis supports that this missense variant does not alter protein structure/function; Has not been previously published as pathogenic or benign to our knowledge; Variants in candidate genes are classified as variants of uncertain significance in accordance with ACMG guidelines (Richards et al., 2015)

NM_032482.3(DOT1L):c.255C>G (p.Ile85Met)

Gene: DOT1L (DOT1 like histone lysine methyltransferase; plus strand). Cytogenetic location: 19p13.3.
Variant type: single nucleotide variant.
Coding change: c.255C>G on transcript NM_032482.3 (MANE Select); coding-DNA position 255, C replaced by G.
Protein change: p.Ile85Met; replaces isoleucine 85 with methionine.
Molecular consequence: missense variant.
Genome position (GRCh38, 1-based): chr19:2,189,786, C>G. VCF-style: chr19-2189786-C-G. GRCh37 (hg19) VCF-style: chr19-2189785-C-G.
Other names: c.255C>G, p.Ile85Met (NM_001411141.1); short protein forms I85M.
Identifiers: ClinVar variation 2663024 (VCV002663024.1), dbSNP rs2022708966, ClinGen allele CA403196906.
Genomic context (GRCh38, chr19:2,189,786, plus strand): 5'-TTTCAGCTTCGAGAGCATGCAGAGGCTCTGCGACAAGTACAACCGTGCCATCGACAGCAT[C>G]CACCAGCTGGTAGGTGGCTTGCCCCTGCCCAGAGGGGGTTAGTAGTGCCAGGCTCCCGGA-3'
Protein context (NP_115871.1, residues 75-95): CDKYNRAIDS[Ile85Met]HQLWKGTTQP